The following is an entry in ClinVar:

NM_001376256.1(CRYM):c.490-6A>G

Gene: CRYM (crystallin mu; minus strand). Cytogenetic location: 16p12.2.
Variant type: single nucleotide variant.
Coding change: c.490-6A>G on transcript NM_001376256.1 (MANE Select); 6 bases into the intron before coding-DNA position 490, A replaced by G.
Molecular consequence: intron variant.
Genome position (GRCh38, 1-based): chr16:21,267,743, T>C on the plus strand (A>G on the coding strand, the complement: CRYM is on the minus strand). VCF-style: chr16-21267743-T-C. GRCh37 (hg19) VCF-style: chr16-21279064-T-C.
Other names: c.490-6A>G (NM_001888.5).
Identifiers: ClinVar variation 3704760 (VCV003704760.2).

ClinVar aggregate classification (germline): Uncertain significance (1 of 4 stars; one submission).

gnomAD v4.1: 75 of 1,614,100 alleles (0.0046%); highest among the groups gnomAD compares: South Asian, 0.011%; no homozygotes.

Submission:

Labcorp Genetics (formerly Invitae), Labcorp
Classification: Uncertain significance. Last evaluated: 2026-01-27. Review status: criteria provided, single submitter. Criteria: Invitae Variant Classification Sherloc (09022015). Collection method: clinical testing. Allele origin: germline.
Comment: This sequence change falls in intron 6 of the CRYM gene. It does not directly change the encoded amino acid sequence of the CRYM protein. This variant is present in population databases (rs779383484, gnomAD 0.01%). This variant has not been reported in the literature in individuals affected with CRYM-related conditions. ClinVar contains an entry for this variant (Variation ID: 3704760). Algorithms developed to predict the effect of sequence changes on RNA splicing suggest that this variant may disrupt the consensus splice site. In summary, the available evidence is currently insufficient to determine the role of this variant in disease. Therefore, it has been classified as a Variant of Uncertain Significance.